The following is an entry in ClinVar:

ClinVar aggregate classification (germline): Uncertain significance (1 of 4 stars; one submission).

Conditions:
Brachyolmia-amelogenesis imperfecta syndrome. Also called: PLATYSPONDYLY WITH AMELOGENESIS IMPERFECTA; Tooth agenesis, selective, 6; Dental anomalies and short stature. Identifiers: Orphanet 2899, MedGen C1832594, MONDO:0011018, OMIM 601216. Disease mechanism: loss of function.

Submission:

Labcorp Genetics (formerly Invitae), Labcorp
Classification: Uncertain significance for Brachyolmia-amelogenesis imperfecta syndrome. Last evaluated: 2022-10-01. Review status: criteria provided, single submitter. Criteria: Invitae Variant Classification Sherloc (09022015). Collection method: clinical testing. Allele origin: germline.
Comment: In summary, the available evidence is currently insufficient to determine the role of this variant in disease. Therefore, it has been classified as a Variant of Uncertain Significance. Algorithms developed to predict the effect of missense changes on protein structure and function (SIFT, PolyPhen-2, Align-GVGD) all suggest that this variant is likely to be tolerated. This variant has not been reported in the literature in individuals affected with LTBP3-related conditions. This variant is not present in population databases (gnomAD no frequency). This sequence change replaces threonine, which is neutral and polar, with alanine, which is neutral and non-polar, at codon 272 of the LTBP3 protein (p.Thr272Ala).

NM_001130144.3(LTBP3):c.814A>G (p.Thr272Ala)

Gene: LTBP3 (latent transforming growth factor beta binding protein 3; minus strand). Cytogenetic location: 11q13.1.
Variant type: single nucleotide variant.
Coding change: c.814A>G on transcript NM_001130144.3 (MANE Select); coding-DNA position 814, A replaced by G.
Protein change: p.Thr272Ala; replaces threonine 272 with alanine.
Molecular consequence: missense variant.
Genome position (GRCh38, 1-based): chr11:65,553,751, T>C on the plus strand (A>G on the coding strand, the complement: LTBP3 is on the minus strand). VCF-style: chr11-65553751-T-C. GRCh37 (hg19) VCF-style: chr11-65321222-T-C.
Other names: c.463A>G, p.Thr155Ala (NM_001164266.1); c.814A>G, p.Thr272Ala (NM_021070.4); short protein forms T155A, T272A.
Identifiers: ClinVar variation 1720744 (VCV001720744.6), dbSNP rs2496175736, ClinGen allele CA381275678.